The following is an entry in ClinVar:

ClinVar aggregate classification (germline): Uncertain significance (1 of 4 stars; one submission).

Conditions:
Gastrointestinal stromal tumor. Also called: Gastrointestinal stromal tumor, somatic; Gastrointestinal stroma tumor. Identifiers: Orphanet 44890, MedGen C0238198, MeSH D046152, MONDO:0011719, OMIM 606764, HP:0100723.

Submission:

Labcorp Genetics (formerly Invitae), Labcorp
Classification: Uncertain significance for Gastrointestinal stromal tumor. Last evaluated: 2024-03-08. Review status: criteria provided, single submitter. Criteria: Invitae Variant Classification Sherloc (09022015). Collection method: clinical testing. Allele origin: germline.
Comment: This sequence change replaces aspartic acid, which is acidic and polar, with histidine, which is basic and polar, at codon 677 of the KIT protein (p.Asp677His). This variant is not present in population databases (gnomAD no frequency). This variant has not been reported in the literature in individuals affected with KIT-related conditions. An algorithm developed to predict the effect of missense changes on protein structure and function (PolyPhen-2) suggests that this variant is likely to be disruptive. In summary, the available evidence is currently insufficient to determine the role of this variant in disease. Therefore, it has been classified as a Variant of Uncertain Significance.

NM_000222.3(KIT):c.2029G>C (p.Asp677His)

Gene: KIT (KIT proto-oncogene, receptor tyrosine kinase; plus strand). Cytogenetic location: 4q12.
Variant type: single nucleotide variant.
Coding change: c.2029G>C on transcript NM_000222.3 (MANE Select); coding-DNA position 2029, G replaced by C.
Protein change: p.Asp677His; replaces aspartic acid 677 with histidine.
Molecular consequence: missense variant.
Genome position (GRCh38, 1-based): chr4:54,729,373, G>C. VCF-style: chr4-54729373-G-C. GRCh37 (hg19) VCF-style: chr4-55595539-G-C.
Other names: c.2020G>C, p.Asp674His (NM_001385288.1, NM_001385292.1); c.2032G>C, p.Asp678His (NM_001385290.1, NM_001385284.1); c.2017G>C, p.Asp673His (NM_001093772.2, NM_001385286.1); c.2029G>C, p.Asp677His (NM_001385285.1); short protein forms D674H, D677H, D673H, D678H.
Identifiers: ClinVar variation 3637586 (VCV003637586.2).